The following is an entry in ClinVar:

ClinVar aggregate classification (germline): Uncertain significance (1 of 4 stars; one submission).

Allele frequency attached by ClinVar (database versions not stated): TOPMed below 0.00001; gnomAD 0.00001.
gnomAD v4.1: 1 of 1,613,996 alleles (0.000062%); highest among the groups gnomAD compares: Admixed American, 0.0017%; no homozygotes.

Submission:

Labcorp Genetics (formerly Invitae), Labcorp
Classification: Uncertain significance. Last evaluated: 2022-04-28. Review status: criteria provided, single submitter. Criteria: Invitae Variant Classification Sherloc (09022015). Collection method: clinical testing. Allele origin: germline.
Comment: In summary, the available evidence is currently insufficient to determine the role of this variant in disease. Therefore, it has been classified as a Variant of Uncertain Significance. Algorithms developed to predict the effect of missense changes on protein structure and function are either unavailable or do not agree on the potential impact of this missense change (SIFT: "Deleterious"; PolyPhen-2: "Probably Damaging"; Align-GVGD: "Class C0"). This variant has not been reported in the literature in individuals affected with KMT2A-related conditions. This variant is not present in population databases (gnomAD no frequency). This sequence change replaces isoleucine, which is neutral and non-polar, with valine, which is neutral and non-polar, at codon 3866 of the KMT2A protein (p.Ile3866Val).

NM_001197104.2(KMT2A):c.11596A>G (p.Ile3866Val)

Genes: KMT2A (lysine methyltransferase 2A; plus strand), TTC36-AS1 (TTC36 and KMT2A antisense RNA 1; minus strand). Cytogenetic location: 11q23.3.
Variant type: single nucleotide variant.
Coding change: c.11596A>G on transcript NM_001197104.2 (MANE Select); coding-DNA position 11596, A replaced by G.
Protein change: p.Ile3866Val; replaces isoleucine 3866 with valine.
Molecular consequence: missense variant.
Genome position (GRCh38, 1-based): chr11:118,521,370, A>G. VCF-style: chr11-118521370-A-G. GRCh37 (hg19) VCF-style: chr11-118392085-A-G.
Other names: c.11686A>G, p.Ile3896Val (NM_001412597.1); c.11587A>G, p.Ile3863Val (NM_005933.4); short protein forms I3863V, I3866V, I3896V.
Identifiers: ClinVar variation 2111771 (VCV002111771.4), dbSNP rs1950964924, ClinGen allele CA382835707.
Genomic context (GRCh38, chr11:118,521,370, plus strand): 5'-CTTTTCTGTAAGAGAAACATTGATGCAGGTGAGATGGTGATTGAGTATGCCGGCAACGTC[A>G]TCCGCTCCATCCAGACTGACAAGCGGGAAAAGTATTACGACAGCAAGGTAAGTCTCCCAC-3'
Protein context (NP_001184033.1, residues 3856-3876): EMVIEYAGNV[Ile3866Val]RSIQTDKREK